The following is an entry in ClinVar:

ClinVar aggregate classification (germline): Uncertain significance. Review status: criteria provided, multiple submitters, no conflicts (2 of 4 stars). 2 submissions from 2 submitters: Uncertain significance (2). Last evaluated 2024-10-15.

Conditions:
Inborn genetic diseases. Identifiers: MedGen C0950123, MeSH D030342.

gnomAD v4.1: 4 of 1,613,940 alleles (0.00025%); highest among the groups gnomAD compares: Non-Finnish European, 0.00034%; no homozygotes.

Submissions (2):

Ambry Genetics
Classification: Uncertain significance for Inborn genetic diseases. Last evaluated: 2024-10-15. Review status: criteria provided, single submitter. Criteria: Ambry Variant Classification Scheme 2023. Collection method: clinical testing. Allele origin: germline.
Comment: The p.P245T variant (also known as c.733C>A), located in coding exon 1 of the SAMD9L gene, results from a C to A substitution at nucleotide position 733. The proline at codon 245 is replaced by threonine, an amino acid with highly similar properties. This amino acid position is conserved. In addition, this alteration is predicted to be tolerated by in silico analysis. Based on the available evidence, the clinical significance of this variant remains unclear.

GeneDx
Classification: Uncertain significance. Last evaluated: 2023-06-01. Review status: criteria provided, single submitter. Criteria: GeneDx Variant Classification Process June 2021. Collection method: clinical testing. Allele origin: germline. Affected: yes.
Comment: Not observed at significant frequency in large population cohorts (gnomAD); In silico analysis supports that this missense variant has a deleterious effect on protein structure/function; Has not been previously published as pathogenic or benign to our knowledge; This variant is associated with the following publications: (PMID: 28545555)

NM_152703.5(SAMD9L):c.733C>A (p.Pro245Thr)

Gene: SAMD9L (sterile alpha motif domain containing 9 like; minus strand). Cytogenetic location: 7q21.2.
Variant type: single nucleotide variant.
Coding change: c.733C>A on transcript NM_152703.5 (MANE Select); coding-DNA position 733, C replaced by A.
Protein change: p.Pro245Thr; replaces proline 245 with threonine.
Molecular consequence: missense variant.
Genome position (GRCh38, 1-based): chr7:93,135,239, G>T on the plus strand (C>A on the coding strand, the complement: SAMD9L is on the minus strand). VCF-style: chr7-93135239-G-T. GRCh37 (hg19) VCF-style: chr7-92764552-G-T.
Other names: c.733C>A, p.Pro245Thr (NM_001303496.3, NM_001303497.3, NM_001303498.3 and 5 more transcripts); short protein forms P245T.
Identifiers: ClinVar variation 3359428 (VCV003359428.2).